The following is an entry in ClinVar:

NM_000424.4(KRT5):c.1582A>G (p.Ser528Gly)

Gene: KRT5 (keratin 5; minus strand). Cytogenetic location: 12q13.13.
Variant type: single nucleotide variant.
Coding change: c.1582A>G on transcript NM_000424.4 (MANE Select); coding-DNA position 1582, A replaced by G.
Protein change: p.Ser528Gly; replaces serine 528 with glycine.
Molecular consequence: missense variant.
Genome position (GRCh38, 1-based): chr12:52,515,133, T>C on the plus strand (A>G on the coding strand, the complement: KRT5 is on the minus strand). VCF-style: chr12-52515133-T-C. GRCh37 (hg19) VCF-style: chr12-52908917-T-C.
Other names: short protein forms S528G.
Identifiers: ClinVar variation 66223 (VCV000066223.16), dbSNP rs11549950, ClinGen allele CA216685.

ClinVar aggregate classification (germline): Benign. Review status: criteria provided, multiple submitters, no conflicts (2 of 4 stars). 6 submissions from 6 submitters: Benign (5). 1 of the submissions does not count toward it. Last evaluated 2026-02-03.

Conditions:
Epidermolysis bullosa simplex. Also called: Epidermolysis bullosa simplex, Weber-Cockayne type (subtype); Epidermolysis bullosa simplex, Dowling-Meara type (subtype); Epidermolysis bullosa simplex with mottled pigmentation (subtype). Identifiers: Orphanet 304, MedGen C0079298, MONDO:0017610.

Allele frequency attached by ClinVar (database versions not stated): TOPMed 0.17791; gnomAD exomes 0.13721; ESP Exome Variant Server 0.17307; 1000 Genomes Project 30x 0.15506; gnomAD 0.17563 and 0.17011; ExAC 0.13940; 1000 Genomes Project 0.15176.
gnomAD v4.1: 220,230 of 1,610,452 alleles (14%); highest among the groups gnomAD compares: African/African-American, 25%; 16,355 homozygotes.

Submissions (6):

Labcorp Genetics (formerly Invitae), Labcorp
Classification: Benign. Last evaluated: 2026-02-03. Review status: criteria provided, single submitter. Criteria: Invitae Variant Classification Sherloc (09022015). Collection method: clinical testing. Allele origin: germline.

Illumina Laboratory Services, Illumina
Classification: Benign for Epidermolysis bullosa simplex. Last evaluated: 2018-01-13. Review status: criteria provided, single submitter. Criteria: ICSL Variant Classification Criteria 13 December 2019. Collection method: clinical testing. Allele origin: germline.
Comment: This variant was observed in the ICSL laboratory as part of a predisposition screen in an ostensibly healthy population. It had not been previously curated by ICSL or reported in the Human Gene Mutation Database (HGMD: prior to June 1st, 2018), and was therefore a candidate for classification through an automated scoring system. Utilizing variant allele frequency, disease prevalence and penetrance estimates, and inheritance mode, an automated score was calculated to assess if this variant is too frequent to cause the disease. Based on the score and internal cut-off values, a variant classified as benign is not then subjected to further curation. The score for this variant resulted in a classification of benign for this disease.

GeneDx
Classification: Benign. Last evaluated: 2015-03-03. Review status: criteria provided, single submitter. Criteria: GeneDx Variant Classification Process June 2021. Collection method: clinical testing. Allele origin: germline. Affected: yes.

Breakthrough Genomics
Classification: Benign. Review status: criteria provided, single submitter. Criteria: ACMG Guidelines, 2015. Collection method: not provided. Allele origin: germline. Inheritance: Autosomal recessive inheritance. Affected: yes.

PreventionGenetics, part of Exact Sciences
Classification: Benign. Review status: criteria provided, single submitter. Criteria: ACMG Guidelines, 2015. Collection method: clinical testing. Allele origin: germline.

Epithelial Biology;  Institute of Medical Biology, Singapore
No classification provided. Review status: no classification provided. Collection method: not provided. Allele origin: not provided. Not counted in ClinVar's aggregate classification.